The following is an entry in ClinVar:

ClinVar aggregate classification (germline): Uncertain significance (1 of 4 stars; one submission).

Conditions:
FG syndrome 1 (OKS). Also called: OPITZ-KAVEGGIA SYNDROME; KELLER SYNDROME; FG Syndrome Type 1 (FGS1); MENTAL RETARDATION, LARGE HEAD, IMPERFORATE ANUS, CONGENITAL HYPOTONIA, AND PARTIAL AGENESIS OF CORPUS CALLOSUM. Identifiers: Orphanet 93932, MedGen C5399762, MONDO:0010590, OMIM 305450.

Submission:

Labcorp Genetics (formerly Invitae), Labcorp
Classification: Uncertain significance for FG syndrome. Last evaluated: 2016-07-31. Review status: criteria provided, single submitter. Criteria: Invitae Variant Classification Sherloc (09022015). Collection method: clinical testing. Allele origin: germline.
Comment: This variant is a gross duplication of the genomic region encompassing exons 25-28 of the MED12 gene. While the exact position of the duplicated exons cannot be determined from this data, the duplicated copy of this region is likely in tandem and may result in an absent or disrupted protein product. This variant is not present in population databases (ExAC no frequency) and has not been reported in the literature in individuals with a MED12-related disease. The current clinical and genetic evidence is not sufficient to establish whether loss-of-function variants in MED12 cause disease. Therefore, this variant has been classified as a Variant of Uncertain Significance.

NC_000023.10:g.(?_70348958)_(70350070_?)dup

Gene: MED12 (mediator complex subunit 12; plus strand). Cytogenetic location: Xq13.1.
Variant type: Duplication.
Identifiers: ClinVar variation 1015398 (VCV001015398.1).